The following is an entry in ClinVar:

NM_001211.6(BUB1B):c.1681C>T (p.Leu561Phe)

Gene: BUB1B (BUB1 mitotic checkpoint serine/threonine kinase B; plus strand). Cytogenetic location: 15q15.1.
Variant type: single nucleotide variant.
Coding change: c.1681C>T on transcript NM_001211.6 (MANE Select); coding-DNA position 1681, C replaced by T.
Protein change: p.Leu561Phe; replaces leucine 561 with phenylalanine.
Molecular consequence: missense variant.
Genome position (GRCh38, 1-based): chr15:40,202,641, C>T. VCF-style: chr15-40202641-C-T. GRCh37 (hg19) VCF-style: chr15-40494842-C-T.
Other names: short protein forms L561F.
Identifiers: ClinVar variation 3993690 (VCV003993690.1).

ClinVar aggregate classification (germline): Uncertain significance (1 of 4 stars; one submission).

Conditions:
Inborn genetic diseases. Identifiers: MedGen C0950123, MeSH D030342.

Submission:

Ambry Genetics
Classification: Uncertain significance for Inborn genetic diseases. Last evaluated: 2025-03-20. Review status: criteria provided, single submitter. Criteria: Ambry Variant Classification Scheme 2023. Collection method: clinical testing. Allele origin: germline.
Comment: The p.L561F variant (also known as c.1681C>T), located in coding exon 14 of the BUB1B gene, results from a C to T substitution at nucleotide position 1681. The leucine at codon 561 is replaced by phenylalanine, an amino acid with highly similar properties. This amino acid position is conserved. In addition, this alteration is predicted to be tolerated by in silico analysis. Based on the available evidence, the clinical significance of this variant remains unclear.